The following is an entry in ClinVar:

NM_015909.4(NBAS):c.3833A>T (p.Glu1278Val)

Gene: NBAS (NBAS subunit of NRZ tethering complex; minus strand). Cytogenetic location: 2p24.3.
Variant type: single nucleotide variant.
Coding change: c.3833A>T on transcript NM_015909.4 (MANE Select); coding-DNA position 3833, A replaced by T.
Protein change: p.Glu1278Val; replaces glutamic acid 1278 with valine.
Molecular consequence: missense variant. On other transcripts: non-coding transcript variant (1).
Genome position (GRCh38, 1-based): chr2:15,356,401, T>A on the plus strand (A>T on the coding strand, the complement: NBAS is on the minus strand). VCF-style: chr2-15356401-T-A. GRCh37 (hg19) VCF-style: chr2-15496525-T-A.
Other names: short protein forms E1278V.
Identifiers: ClinVar variation 1386912 (VCV001386912.4), dbSNP rs143200998, ClinGen allele CA345892407.

ClinVar aggregate classification (germline): Uncertain significance (1 of 4 stars; one submission).

Submission:

Labcorp Genetics (formerly Invitae), Labcorp
Classification: Uncertain significance. Last evaluated: 2025-11-01. Review status: criteria provided, single submitter. Criteria: Invitae Variant Classification Sherloc (09022015). Collection method: clinical testing. Allele origin: germline.
Comment: This sequence change replaces glutamic acid, which is acidic and polar, with valine, which is neutral and non-polar, at codon 1278 of the NBAS protein (p.Glu1278Val). This variant is not present in population databases (gnomAD no frequency). This variant has not been reported in the literature in individuals affected with NBAS-related conditions. ClinVar contains an entry for this variant (Variation ID: 1386912). Invitae Evidence Modeling of protein sequence and biophysical properties (such as structural, functional, and spatial information, amino acid conservation, physicochemical variation, residue mobility, and thermodynamic stability) indicates that this missense variant is not expected to disrupt NBAS protein function with a negative predictive value of 95%. In summary, the available evidence is currently insufficient to determine the role of this variant in disease. Therefore, it has been classified as a Variant of Uncertain Significance.